The following is an entry in ClinVar:

NM_024079.5(ALG8):c.1328C>T (p.Ser443Leu)

Gene: ALG8 (ALG8 alpha-1,3-glucosyltransferase; minus strand). Cytogenetic location: 11q14.1.
Variant type: single nucleotide variant.
Coding change: c.1328C>T on transcript NM_024079.5 (MANE Select); coding-DNA position 1328, C replaced by T.
Protein change: p.Ser443Leu; replaces serine 443 with leucine.
Molecular consequence: missense variant.
Genome position (GRCh38, 1-based): chr11:78,104,001, G>A on the plus strand (C>T on the coding strand, the complement: ALG8 is on the minus strand). VCF-style: chr11-78104001-G-A. GRCh37 (hg19) VCF-style: chr11-77815047-G-A.
Other names: c.1328C>T (NM_024079.4); c.1328C>T, p.Ser443Leu (NM_001007027.3, NM_001425222.1, NM_001425230.1 and 1 more transcripts); c.1331C>T, p.Ser444Leu (NM_001425219.1); c.1313C>T, p.Ser438Leu (NM_001425220.1); c.1253C>T, p.Ser418Leu (NM_001425221.1); c.1322C>T, p.Ser441Leu (NM_001425223.1); c.1421C>T, p.Ser474Leu (NM_001425224.1); c.1376C>T, p.Ser459Leu (NM_001425225.1); and 10 more; short protein forms S271L, S385L, S418L, S279L, S376L, S438L, S441L, S444L.
Identifiers: ClinVar variation 2767209 (VCV002767209.4), dbSNP rs140716983, ClinGen allele CA6203153.

ClinVar aggregate classification (germline): Uncertain significance. Review status: criteria provided, multiple submitters, no conflicts (2 of 4 stars). 2 submissions from 2 submitters: Uncertain significance (2). Last evaluated 2024-05-15.

Conditions:
Inborn genetic diseases. Identifiers: MedGen C0950123, MeSH D030342.
ALG8 congenital disorder of glycosylation. Also called: ALG8-CDG; CONGENITAL DISORDER OF GLYCOSYLATION, TYPE Ih; CDG Ih. Identifiers: Orphanet 79325, MedGen C2931002, MONDO:0011969, OMIM 608104.

Allele frequency attached by ClinVar (database versions not stated): ExAC 0.00010; TOPMed 0.00010; gnomAD 0.00011; ESP Exome Variant Server 0.00016; 1000 Genomes Project 0.00020; 1000 Genomes Project 30x 0.00031.
gnomAD v4.1: 76 of 1,494,298 alleles (0.0051%); highest among the groups gnomAD compares: Admixed American, 0.015%; no homozygotes.

Submissions (2):

Ambry Genetics
Classification: Uncertain significance for Inborn genetic diseases. Last evaluated: 2024-05-15. Review status: criteria provided, single submitter. Criteria: Ambry Variant Classification Scheme 2023. Collection method: clinical testing. Allele origin: germline.

Labcorp Genetics (formerly Invitae), Labcorp
Classification: Uncertain significance for ALG8 congenital disorder of glycosylation. Last evaluated: 2024-03-05. Review status: criteria provided, single submitter. Criteria: Invitae Variant Classification Sherloc (09022015). Collection method: clinical testing. Allele origin: germline.
Comment: This sequence change replaces serine, which is neutral and polar, with leucine, which is neutral and non-polar, at codon 443 of the ALG8 protein (p.Ser443Leu). This variant is present in population databases (rs140716983, gnomAD 0.01%). This variant has not been reported in the literature in individuals affected with ALG8-related conditions. Advanced modeling of protein sequence and biophysical properties (such as structural, functional, and spatial information, amino acid conservation, physicochemical variation, residue mobility, and thermodynamic stability) performed at Invitae indicates that this missense variant is not expected to disrupt ALG8 protein function with a negative predictive value of 80%. In summary, the available evidence is currently insufficient to determine the role of this variant in disease. Therefore, it has been classified as a Variant of Uncertain Significance.